The following is an entry in ClinVar:

ClinVar aggregate classification (germline): Uncertain significance (1 of 4 stars; one submission).

Submission:

GeneDx
Classification: Uncertain significance. Last evaluated: 2024-03-15. Review status: criteria provided, single submitter. Criteria: GeneDx Variant Classification Process June 2021. Collection method: clinical testing. Allele origin: germline. Affected: yes.
Comment: Not observed at significant frequency in large population cohorts (gnomAD); Missense variants in this gene are a common cause of disease and they are underrepresented in the general population; In silico analysis supports that this missense variant has a deleterious effect on protein structure/function; Has not been previously published as pathogenic or benign to our knowledge

NM_170665.4(ATP2A2):c.1384C>T (p.Leu462Phe)

Gene: ATP2A2 (ATPase sarcoplasmic/endoplasmic reticulum Ca2+ transporting 2; plus strand). Cytogenetic location: 12q24.11.
Variant type: single nucleotide variant.
Coding change: c.1384C>T on transcript NM_170665.4 (MANE Select); coding-DNA position 1384, C replaced by T.
Protein change: p.Leu462Phe; replaces leucine 462 with phenylalanine.
Molecular consequence: missense variant.
Genome position (GRCh38, 1-based): chr12:110,334,108, C>T. VCF-style: chr12-110334108-C-T. GRCh37 (hg19) VCF-style: chr12-110771913-C-T.
Other names: c.1279C>T, p.Leu427Phe (NM_001413013.1); c.1384C>T, p.Leu462Phe (NM_001413014.1, NM_001681.4); c.1009C>T, p.Leu337Phe (NM_001413015.1); short protein forms L337F, L427F, L462F.
Identifiers: ClinVar variation 3370805 (VCV003370805.1).
Genomic context (GRCh38, chr12:110,334,108, plus strand): 5'-GAGACTGCTCTCACTTGCCTAGTAGAGAAGATGAATGTATTTGATACCGAATTGAAGGGT[C>T]TTTCTAAAATAGAACGTGCAAATGCCTGCAACTCAGTGAGTATTTGAACCTGGTTTATTG-3'
Protein context (NP_733765.1, residues 452-472): MNVFDTELKG[Leu462Phe]SKIERANACN